The following is an entry in ClinVar:

ClinVar aggregate classification (germline): Likely pathogenic (1 of 4 stars; one submission).

Conditions:
Thrombophilia due to protein S deficiency, autosomal dominant (THPH5). Identifiers: Orphanet 26349, Orphanet 743, MedGen C3278211, MONDO:0012868, OMIM 612336. Disease mechanism: loss of function.
Thrombophilia due to protein S deficiency, autosomal recessive (THPH6). Identifiers: Orphanet 743, MedGen C3281092, MONDO:0013791, OMIM 614514. Disease mechanism: loss of function.

Submission:

Juno Genomics, Hangzhou Juno Genomics, Inc
Classification: Likely pathogenic for Thrombophilia due to protein S deficiency, autosomal dominant; Thrombophilia due to protein S deficiency, autosomal recessive. Review status: criteria provided, single submitter. Criteria: ACMG Guidelines, 2015. Collection method: clinical testing. Allele origin: germline. Affected: yes.
Comment: Absent from controls (or at extremely low frequency if recessive) in Genome Aggregation Database.;Multiple lines of computational evidence support a deleterious effect on the gene or gene product.;The prevalence of the variant in affected individuals is significantly increased compared to the prevalence in controls.

NM_000313.4(PROS1):c.1915T>G (p.Cys639Gly)

Gene: PROS1 (protein S; minus strand). Cytogenetic location: 3q11.1.
Variant type: single nucleotide variant.
Coding change: c.1915T>G on transcript NM_000313.4 (MANE Select); coding-DNA position 1915, T replaced by G.
Protein change: p.Cys639Gly; replaces cysteine 639 with glycine.
Molecular consequence: missense variant.
Genome position (GRCh38, 1-based): chr3:93,874,361, A>C on the plus strand (T>G on the coding strand, the complement: PROS1 is on the minus strand). VCF-style: chr3-93874361-A-C. GRCh37 (hg19) VCF-style: chr3-93593205-A-C.
Other names: c.2011T>G, p.Cys671Gly (NM_001314077.2); short protein forms C639G, C671G.
Identifiers: ClinVar variation 5020011 (VCV005020011.1).